The following is an entry in ClinVar:

NM_022117.4(TSPYL2):c.753C>T (p.Phe251=)

Gene: TSPYL2 (TSPY like 2; plus strand). Cytogenetic location: Xp11.22.
Variant type: single nucleotide variant.
Coding change: c.753C>T on transcript NM_022117.4 (MANE Select); coding-DNA position 753, C replaced by T.
Protein change: p.Phe251=; no amino-acid change (phenylalanine 251 retained).
Molecular consequence: synonymous variant.
Genome position (GRCh38, 1-based): chrX:53,083,251, C>T. VCF-style: chrX-53083251-C-T. GRCh37 (hg19) VCF-style: chrX-53112433-C-T.
Identifiers: ClinVar variation 2660579 (VCV002660579.24), dbSNP rs368966106, ClinGen allele CA10418628.

ClinVar aggregate classification (germline): Likely benign (1 of 4 stars; one submission).

Allele frequency attached by ClinVar (database versions not stated): gnomAD 0.00001; ExAC 0.00002; gnomAD exomes 0.00002; TOPMed 0.00002; ESP Exome Variant Server 0.00009.

Submission:

CeGaT Center for Human Genetics Tuebingen
Classification: Likely benign. Last evaluated: 2023-02-01. Review status: criteria provided, single submitter. Criteria: CeGaT Center For Human Genetics Tuebingen Variant Classification Criteria Version 2. Collection method: clinical testing. Allele origin: germline. Affected: yes. Observed: 1 variant allele.
Comment: TSPYL2: BP4, BP7